The following is an entry in ClinVar:

ClinVar aggregate classification (germline): Uncertain significance. Review status: criteria provided, multiple submitters, no conflicts (2 of 4 stars). 2 submissions from 2 submitters: Uncertain significance (2). Last evaluated 2026-01-07.

Conditions:
Simpson-Golabi-Behmel syndrome type 1 (SGBS1). Also called: DYSPLASIA GIGANTISM SYNDROME, X-LINKED; GPC3-Related Simpson-Golabi-Behmel Syndrome Type 1; GOLABI-ROSEN SYNDROME; BULLDOG SYNDROME; SIMPSON DYSMORPHIA SYNDROME. Identifiers: Orphanet 373, MedGen C0796154, MONDO:0020602, OMIM 312870.
Wilms tumor 1 (WT1). Also called: Wilms tumor, somatic. Identifiers: Orphanet 654, MedGen CN033288, MONDO:0008679, OMIM 194070.

Submissions (2):

Dasa
Classification: Uncertain significance for Simpson-Golabi-Behmel syndrome type 1. Last evaluated: 2026-01-07. Review status: criteria provided, single submitter. Criteria: DASA Assertion Criteria. Collection method: clinical testing. Allele origin: germline.
Comment: NM_004484.4(GPC3):c.385A>T (p.Met129Leu) is a missense variant that results in the substitution of methionine with leucine. This variant is rare in population databases. The currently available literature and clinical evidence are not sufficient to establish a definitive association between this variant and the reported condition. Therefore, this variant is classified as a variant of uncertain significance.

Labcorp Genetics (formerly Invitae), Labcorp
Classification: Uncertain significance for Wilms tumor 1. Last evaluated: 2023-10-29. Review status: criteria provided, single submitter. Criteria: Invitae Variant Classification Sherloc (09022015). Collection method: clinical testing. Allele origin: germline.
Comment: This sequence change replaces methionine, which is neutral and non-polar, with leucine, which is neutral and non-polar, at codon 129 of the GPC3 protein (p.Met129Leu). This variant is not present in population databases (gnomAD no frequency). This variant has not been reported in the literature in individuals affected with GPC3-related conditions. ClinVar contains an entry for this variant (Variation ID: 659345). Advanced modeling of protein sequence and biophysical properties (such as structural, functional, and spatial information, amino acid conservation, physicochemical variation, residue mobility, and thermodynamic stability) performed at Invitae indicates that this missense variant is not expected to disrupt GPC3 protein function with a negative predictive value of 80%. In summary, the available evidence is currently insufficient to determine the role of this variant in disease. Therefore, it has been classified as a Variant of Uncertain Significance.

NM_004484.4(GPC3):c.385A>T (p.Met129Leu)

Gene: GPC3 (glypican 3; minus strand). Cytogenetic location: Xq26.2.
Variant type: single nucleotide variant.
Coding change: c.385A>T on transcript NM_004484.4 (MANE Select); coding-DNA position 385, A replaced by T.
Protein change: p.Met129Leu; replaces methionine 129 with leucine.
Molecular consequence: missense variant.
Genome position (GRCh38, 1-based): chrX:133,754,129, T>A on the plus strand (A>T on the coding strand, the complement: GPC3 is on the minus strand). VCF-style: chrX-133754129-T-A. GRCh37 (hg19) VCF-style: chrX-132888156-T-A.
Other names: c.385A>T, p.Met129Leu (NM_001164617.2); c.337A>T, p.Met113Leu (NM_001164618.2); c.223A>T, p.Met75Leu (NM_001164619.2); short protein forms M129L, M113L, M75L.
Identifiers: ClinVar variation 659345 (VCV000659345.11), dbSNP rs1004380086, ClinGen allele CA335981519.